The following is an entry in ClinVar:

NM_000465.4(BARD1):c.-2C>T

Gene: BARD1 (BRCA1 associated RING domain 1; minus strand). Cytogenetic location: 2q35.
Variant type: single nucleotide variant.
Coding change: c.-2C>T on transcript NM_000465.4 (MANE Select); 2 bases upstream of the start codon, C replaced by T.
Molecular consequence: 5 prime UTR variant. On other transcripts: non-coding transcript variant (3).
Genome position (GRCh38, 1-based): chr2:214,809,571, G>A on the plus strand (C>T on the coding strand, the complement: BARD1 is on the minus strand). VCF-style: chr2-214809571-G-A. GRCh37 (hg19) VCF-style: chr2-215674295-G-A.
Other names: c.-2C>T (NM_001282543.2, NM_001282545.2, NM_001282548.2 and 1 more transcripts).
Identifiers: ClinVar variation 2774803 (VCV002774803.2), dbSNP rs876659743, ClinGen allele CA2662972931.

ClinVar aggregate classification (germline): Uncertain significance (1 of 4 stars; one submission).

Conditions:
Hereditary cancer-predisposing syndrome. Also called: Neoplastic Syndromes, Hereditary; Tumor predisposition; Hereditary Cancer Syndrome; Hereditary neoplastic syndrome. Identifiers: Orphanet 140162, MedGen C0027672, MeSH D009386, MONDO:0015356.

gnomAD v4.1: 1 of 1,545,908 alleles (0.000065%); highest among the groups gnomAD compares: South Asian, 0.0012%; no homozygotes.

Submission:

Color Diagnostics, LLC DBA Color Health
Classification: Uncertain significance for Hereditary cancer-predisposing syndrome. Last evaluated: 2021-10-25. Review status: criteria provided, single submitter. Criteria: ACMG Guidelines, 2015. Collection method: clinical testing. Allele origin: germline.
Comment: This variant causes a single nucleotide substitution in the 5' untranslated region of the BARD1 gene. To our knowledge, functional studies have not been reported for this variant. This variant has not been reported in individuals affected with hereditary cancer in the literature. This variant has not been identified in the general population by the Genome Aggregation Database (gnomAD). The available evidence is insufficient to determine the role of this variant in disease conclusively. Therefore, this variant is classified as a Variant of Uncertain Significance.